The following is an entry in ClinVar:

NM_001127511.3(APC):c.165+20T>A

Gene: APC (APC regulator of Wnt signaling pathway; plus strand). Cytogenetic location: 5q22.2.
Variant type: single nucleotide variant.
Coding change: c.165+20T>A on transcript NM_001127511.3; 20 bases into the intron after coding-DNA position 165, T replaced by A.
Molecular consequence: intron variant.
Genome position (GRCh38, 1-based): chr5:112,707,902, T>A. VCF-style: chr5-112707902-T-A. GRCh37 (hg19) VCF-style: chr5-112043599-T-A.
Other names: c.-1054+20T>A (NM_001407470.1, NM_001407472.1); c.-19+20T>A (NM_001407447.1, NM_001354895.2, NM_001407456.1 and 3 more transcripts); c.165+20T>A (NM_001407446.1, NM_001354897.2, NM_001354902.2); c.-19+253T>A (NM_001407448.1, NM_001407450.1, NM_001407457.1 and 1 more transcripts); c.-43+253T>A (NM_001407453.1).
Identifiers: ClinVar variation 1434253 (VCV001434253.6), dbSNP rs1191699028, ClinGen allele CA561890346.

ClinVar aggregate classification (germline): Uncertain significance (1 of 4 stars; one submission).

Conditions:
Familial adenomatous polyposis 1 (FAP1). Also called: FAMILIAL ADENOMATOUS POLYPOSIS 1, ATTENUATED; POLYPOSIS, ADENOMATOUS INTESTINAL. Identifiers: MedGen C2713442, MONDO:0021056, OMIM 175100. Disease mechanism: loss of function.

Allele frequency attached by ClinVar (database versions not stated): gnomAD exomes 0.00001.
gnomAD v4.1: 6 of 1,357,044 alleles (0.00044%); highest among the groups gnomAD compares: South Asian, 0.0062%; no homozygotes.

Submission:

Labcorp Genetics (formerly Invitae), Labcorp
Classification: Uncertain significance for Familial adenomatous polyposis 1. Last evaluated: 2024-09-16. Review status: criteria provided, single submitter. Criteria: Invitae Variant Classification Sherloc (09022015). Collection method: clinical testing. Allele origin: germline.
Comment: This variant occurs in a non-coding region of the APC gene. It does not change the encoded amino acid sequence of the APC protein. This variant is present in population databases (no rsID available, gnomAD 0.005%). This variant has not been reported in the literature in individuals affected with APC-related conditions. Experimental studies and prediction algorithms are not available or were not evaluated, and the functional significance of this variant is currently unknown. In summary, the available evidence is currently insufficient to determine the role of this variant in disease. Therefore, it has been classified as a Variant of Uncertain Significance.